The following is an entry in ClinVar:

NM_000925.4(PDHB):c.352C>T (p.Gln118Ter)

Gene: PDHB (pyruvate dehydrogenase E1 subunit beta; minus strand). Cytogenetic location: 3p14.3.
Variant type: single nucleotide variant.
Coding change: c.352C>T on transcript NM_000925.4 (MANE Select); coding-DNA position 352, C replaced by T.
Protein change: p.Gln118Ter; replaces glutamine 118 with a stop codon.
Molecular consequence: nonsense. On other transcripts: non-coding transcript variant (1).
Genome position (GRCh38, 1-based): chr3:58,430,894, G>A on the plus strand (C>T on the coding strand, the complement: PDHB is on the minus strand). VCF-style: chr3-58430894-G-A. GRCh37 (hg19) VCF-style: chr3-58416621-G-A.
Other names: NC_000003.11:g.58416621G>A; c.352C>T (NM_000925.3); c.352C>T, p.Gln118Ter (NM_001173468.2); c.298C>T, p.Gln100Ter (NM_001315536.2); short protein forms Q100*, Q118*.
Identifiers: ClinVar variation 2677597 (VCV002677597.3), dbSNP rs1019990431, ClinGen allele CA75457019.

ClinVar aggregate classification (germline): Likely pathogenic. Review status: criteria provided, multiple submitters, no conflicts (2 of 4 stars). 2 submissions from 2 submitters: Likely pathogenic (2). Last evaluated 2024-10-01.

Conditions:
Pyruvate dehydrogenase E1-beta deficiency (PDHBD). Identifiers: Orphanet 255138, Orphanet 765, MedGen C3279841, MONDO:0013580, OMIM 614111.
Pyruvate dehydrogenase phosphatase deficiency (PDHPD). Also called: LACTIC ACIDEMIA WITH PYRUVATE DEHYDROGENASE PHOSPHATASE DEFICIENCY. Identifiers: Orphanet 79246, MedGen C1837429, MONDO:0012120, OMIM 608782.

Allele frequency attached by ClinVar (database versions not stated): gnomAD exomes below 0.00001; gnomAD 0.00001; TOPMed 0.00001.

Submissions (3):

Natera, Inc.
Classification: Likely pathogenic for Pyruvate dehydrogenase phosphatase deficiency. Last evaluated: 2024-10-01. Review status: criteria provided, single submitter. Criteria: Natera Variant Classification Schema (03/2026). Collection method: clinical testing. Allele origin: germline.
Comment: The c.352C>T variant in PDHB is a nonsense variant predicted to introduce a stop codon at amino acid 118. This variant is expected to result in nonsense mediated decay, truncation, or a dysfunctional protein product. This variant is rare in the general population with a frequency below the threshold expected for the associated phenotype(s). Given the available evidence, this variant is classified as Likely Pathogenic.

Baylor Genetics
Classification: Likely pathogenic for Pyruvate dehydrogenase E1-beta deficiency. Last evaluated: 2023-06-29. Review status: criteria provided, single submitter. Criteria: ACMG Guidelines, 2015. Collection method: clinical testing. Allele origin: unknown.

Dr. Peter K. Rogan Lab, Western University
No classification provided (evidence only). Condition: Clear cell carcinoma of kidney. Review status: no classification provided. Collection method: in vitro. Allele origin: not applicable. Functional consequence: retained intron. Not counted in ClinVar's aggregate classification.